The following is an entry in ClinVar:

NM_001100.4(ACTA1):c.346G>C (p.Ala116Pro)

Gene: ACTA1 (actin alpha 1, skeletal muscle; minus strand). Cytogenetic location: 1q42.13.
Variant type: single nucleotide variant.
Coding change: c.346G>C on transcript NM_001100.4 (MANE Select); coding-DNA position 346, G replaced by C.
Protein change: p.Ala116Pro; replaces alanine 116 with proline.
Molecular consequence: missense variant.
Genome position (GRCh38, 1-based): chr1:229,432,664, C>G on the plus strand (G>C on the coding strand, the complement: ACTA1 is on the minus strand). VCF-style: chr1-229432664-C-G. GRCh37 (hg19) VCF-style: chr1-229568411-C-G.
Other names: short protein forms A116P.
Identifiers: ClinVar variation 3233260 (VCV003233260.2), dbSNP rs1659975786.

ClinVar aggregate classification (germline): Likely pathogenic (1 of 4 stars; one submission).

Conditions:
Nemaline myopathy. Also called: Myopathies, Nemaline. Identifiers: Orphanet 607, MedGen C0206157, MONDO:0018958.

Submission:

Muscle and Diseases Team, Institut de Génétique et Biologie Moléculaire et Cellulaire
Classification: Likely pathogenic for Nemaline myopathy. Last evaluated: 2024-03-01. Review status: criteria provided, single submitter. Criteria: ACMG Guidelines, 2015. Collection method: research. Allele origin: somatic. Affected: yes. Observed: 1 variant allele.
Comment: PM1+PM2+PM5+PP2+PP3

Literature cited by the submitters: DOI 10.1186/s13073-024-01353-0.